The following is an entry in ClinVar:

ClinVar aggregate classification (germline): Uncertain significance (1 of 4 stars; one submission).

Conditions:
Inborn genetic diseases. Identifiers: MedGen C0950123, MeSH D030342.

Submission:

Ambry Genetics
Classification: Uncertain significance for Inborn genetic diseases. Last evaluated: 2026-02-14. Review status: criteria provided, single submitter. Criteria: Ambry Variant Classification Scheme 2023. Collection method: clinical testing. Allele origin: germline.
Comment: The p.L312I variant (also known as c.934C>A), located in coding exon 8 of the PAX5 gene, results from a C to A substitution at nucleotide position 934. The leucine at codon 312 is replaced by isoleucine, an amino acid with highly similar properties. This amino acid position is conserved. In addition, this alteration is predicted to be tolerated by in silico analysis. Based on the available evidence, the clinical significance of this variant remains unclear.

NM_016734.3(PAX5):c.934C>A (p.Leu312Ile)

Gene: PAX5 (paired box 5; minus strand). Cytogenetic location: 9p13.2.
Variant type: single nucleotide variant.
Coding change: c.934C>A on transcript NM_016734.3 (MANE Select); coding-DNA position 934, C replaced by A.
Protein change: p.Leu312Ile; replaces leucine 312 with isoleucine.
Molecular consequence: missense variant. On other transcripts: non-coding transcript variant (2), intron variant (6).
Genome position (GRCh38, 1-based): chr9:36,882,082, G>T on the plus strand (C>A on the coding strand, the complement: PAX5 is on the minus strand). VCF-style: chr9-36882082-G-T. GRCh37 (hg19) VCF-style: chr9-36882079-G-T.
Other names: c.934C>A, p.Leu312Ile (NM_001280548.2); c.805C>A, p.Leu269Ile (NM_001280553.2, NM_001280554.2); c.610C>A, p.Leu204Ile (NM_001280556.2); c.586+41273C>A (NM_001280551.2); c.713-35153C>A (NM_001280555.2); c.781-41446C>A (NM_001280550.2); c.781-35153C>A (NM_001280549.2); c.910+41273C>A (NM_001280552.2); and 1 more; short protein forms L204I, L269I, L312I.
Identifiers: ClinVar variation 4825470 (VCV004825470.1).